The following is an entry in ClinVar:

NM_018979.4(WNK1):c.108G>C (p.Gly36=)

Gene: WNK1 (WNK lysine deficient protein kinase 1; plus strand). Cytogenetic location: 12p13.33.
Variant type: single nucleotide variant.
Coding change: c.108G>C on transcript NM_018979.4 (MANE Select); coding-DNA position 108, G replaced by C.
Protein change: p.Gly36=; no amino-acid change (glycine 36 retained).
Molecular consequence: synonymous variant.
Genome position (GRCh38, 1-based): chr12:753,673, G>C. VCF-style: chr12-753673-G-C. GRCh37 (hg19) VCF-style: chr12-862839-G-C.
Other names: c.108G>C, p.Gly36= (NM_001184985.2, NM_014823.3, NM_213655.5).
Identifiers: ClinVar variation 310538 (VCV000310538.14), dbSNP rs375485682, ClinGen allele CA6381721.
Genomic context (GRCh38, chr12:753,673, plus strand): 5'-GTTCCTCTCGCCGCCGGCTCCTGCCCCCAAGAATGGCTCCAGCTCCGATTCCTCCGTGGG[G>C]GAGAAACTGGGAGCCGCGGCCGCCGACGCTGTGACCGGCAGGACCGAGGAGTACAGGCGC-3'
Protein context (NP_061852.3, residues 26-46): KNGSSSDSSV[Gly36=]EKLGAAAADA

ClinVar aggregate classification (germline): Likely benign. Review status: criteria provided, multiple submitters, no conflicts (2 of 4 stars). 3 submissions from 3 submitters: Likely benign (3). Last evaluated 2026-07-07.

Conditions:
WNK1-related disorder. Also called: WNK1-related condition.
Neuropathy, hereditary sensory and autonomic, type 2A (HSAN2A). Also called: ACROOSTEOLYSIS, GIACCAI TYPE; ACROOSTEOLYSIS, NEUROGENIC; NEUROPATHY, CONGENITAL SENSORY; NEUROPATHY, HEREDITARY SENSORY RADICULAR, AUTOSOMAL RECESSIVE; NEUROPATHY, HEREDITARY SENSORY, TYPE IIA; NEUROPATHY, PROGRESSIVE SENSORY, OF CHILDREN. Identifiers: Orphanet 970, MedGen C2752089, MONDO:0024309, OMIM 201300.
Pseudohypoaldosteronism type 2C (PHA2C). Also called: Pseudohypoaldosteronism Type IIC. Identifiers: Orphanet 757, Orphanet 88940, MedGen C1840391, MONDO:0013778, OMIM 614492.

Allele frequency attached by ClinVar (database versions not stated): gnomAD exomes 0.00002; ExAC 0.00003; gnomAD 0.00003 and 0.00004; TOPMed 0.00004; ESP Exome Variant Server 0.00008.
gnomAD v4.1: 83 of 1,612,258 alleles (0.0051%); highest among the groups gnomAD compares: Non-Finnish European, 0.0064%; no homozygotes.

Submissions (3):

PreventionGenetics, part of Exact Sciences
Classification: Likely benign for WNK1-related condition. Last evaluated: 2026-07-07. Review status: criteria provided, single submitter. Criteria: ACMG Guidelines, 2015. Collection method: clinical testing. Allele origin: germline.
Comment: This variant is classified as likely benign based on ACMG/AMP sequence variant interpretation guidelines (Richards et al. 2015 PMID: 25741868, with internal and published modifications).

Labcorp Genetics (formerly Invitae), Labcorp
Classification: Likely benign for Neuropathy, hereditary sensory and autonomic, type 2A; Pseudohypoaldosteronism type 2C. Last evaluated: 2025-08-13. Review status: criteria provided, single submitter. Criteria: Invitae Variant Classification Sherloc (09022015). Collection method: clinical testing. Allele origin: germline.

Illumina Laboratory Services, Illumina
Classification: Likely benign for Pseudohypoaldosteronism type 2C. Last evaluated: 2018-01-13. Review status: criteria provided, single submitter. Criteria: ICSL Variant Classification Criteria 13 December 2019. Collection method: clinical testing. Allele origin: germline.
Comment: This variant was observed in the ICSL laboratory as part of a predisposition screen in an ostensibly healthy population. It had not been previously curated by ICSL or reported in the Human Gene Mutation Database (HGMD: prior to June 1st, 2018), and was therefore a candidate for classification through an automated scoring system. Utilizing variant allele frequency, disease prevalence and penetrance estimates, and inheritance mode, an automated score was calculated to assess if this variant is too frequent to cause the disease. Based on the score and internal cut-off values, a variant classified as likely benign is not then subjected to further curation. The score for this variant resulted in a classification of likely benign for this disease.